The following is an entry in ClinVar:

NM_017671.5(FERMT1):c.1598C>T (p.Ala533Val)

Gene: FERMT1 (FERM domain containing kindlin 1; minus strand). Cytogenetic location: 20p12.3.
Variant type: single nucleotide variant.
Coding change: c.1598C>T on transcript NM_017671.5 (MANE Select); coding-DNA position 1598, C replaced by T.
Protein change: p.Ala533Val; replaces alanine 533 with valine.
Molecular consequence: missense variant.
Genome position (GRCh38, 1-based): chr20:6,084,160, G>A on the plus strand (C>T on the coding strand, the complement: FERMT1 is on the minus strand). VCF-style: chr20-6084160-G-A. GRCh37 (hg19) VCF-style: chr20-6064807-G-A.
Other names: short protein forms A533V.
Identifiers: ClinVar variation 2979233 (VCV002979233.3), dbSNP rs2514688348, ClinGen allele CA408178227.

ClinVar aggregate classification (germline): Uncertain significance (1 of 4 stars; one submission).

Submission:

Labcorp Genetics (formerly Invitae), Labcorp
Classification: Uncertain significance. Last evaluated: 2024-08-05. Review status: criteria provided, single submitter. Criteria: Invitae Variant Classification Sherloc (09022015). Collection method: clinical testing. Allele origin: germline.
Comment: This sequence change replaces alanine, which is neutral and non-polar, with valine, which is neutral and non-polar, at codon 533 of the FERMT1 protein (p.Ala533Val). This variant is not present in population databases (gnomAD no frequency). This variant has not been reported in the literature in individuals affected with FERMT1-related conditions. Advanced modeling of protein sequence and biophysical properties (such as structural, functional, and spatial information, amino acid conservation, physicochemical variation, residue mobility, and thermodynamic stability) performed at Invitae indicates that this missense variant is not expected to disrupt FERMT1 protein function with a negative predictive value of 80%. In summary, the available evidence is currently insufficient to determine the role of this variant in disease. Therefore, it has been classified as a Variant of Uncertain Significance.